The following is an entry in ClinVar:

ClinVar aggregate classification (germline): Likely benign (0 of 4 stars; one submission).

Conditions:
SDHD-related disorder. Also called: SDHD-related condition.

Submission:

PreventionGenetics, part of Exact Sciences
Classification: Likely benign for SDHD-related condition. Last evaluated: 2022-11-29. Review status: no assertion criteria provided. Collection method: clinical testing. Allele origin: germline.
Comment: This variant is classified as likely benign based on ACMG/AMP sequence variant interpretation guidelines (Richards et al. 2015 PMID: 25741868, with internal and published modifications).

NM_003002.4(SDHD):c.315-1728C>T

Gene: SDHD (succinate dehydrogenase complex subunit D; plus strand). Cytogenetic location: 11q23.1.
Variant type: single nucleotide variant.
Coding change: c.315-1728C>T on transcript NM_003002.4 (MANE Select); 1728 bases into the intron before coding-DNA position 315, C replaced by T.
Molecular consequence: intron variant.
Genome position (GRCh38, 1-based): chr11:112,093,077, C>T. VCF-style: chr11-112093077-C-T. GRCh37 (hg19) VCF-style: chr11-111963801-C-T.
Other names: c.315-3C>T (NM_001276506.2); c.170-1728C>T (NM_001276503.2); c.198-1728C>T (NM_001276504.2).
Identifiers: ClinVar variation 3053262 (VCV003053262.2), dbSNP rs898969188, ClinGen allele CA228554341.
Genomic context (GRCh38, chr11:112,093,077, plus strand): 5'-TATTGTATGGCTTTTTTTTTTTTTTTTTTTTTTTTGAGACAGAGTTTTGCTCTTGTCGCT[C>T]AGGCTGGAGTGCAATGGTGCGATCTTGGCTCGGCACGATCTCGGCTCAGCACGATCTCAG-3'